The following is an entry in ClinVar:

ClinVar aggregate classification (germline): Uncertain significance (1 of 4 stars; one submission).

Conditions:
Autosomal dominant limb-girdle muscular dystrophy type 1F (LGMDD2). Also called: Limb-girdle muscular dystrophy, type 1F; MUSCULAR DYSTROPHY, LIMB-GIRDLE, AUTOSOMAL DOMINANT 2. Identifiers: Orphanet 55595, MedGen C1842062, MONDO:0012034, OMIM 608423.

Allele frequency attached by ClinVar (database versions not stated): gnomAD 0.00001; gnomAD exomes 0.00001; TOPMed 0.00002; ESP Exome Variant Server 0.00008.
gnomAD v4.1: 22 of 1,612,106 alleles (0.0014%); highest among the groups gnomAD compares: Non-Finnish European, 0.0017%; no homozygotes.

Submission:

Labcorp Genetics (formerly Invitae), Labcorp
Classification: Uncertain significance for Autosomal dominant limb-girdle muscular dystrophy type 1F. Last evaluated: 2025-03-31. Review status: criteria provided, single submitter. Criteria: Invitae Variant Classification Sherloc (09022015). Collection method: clinical testing. Allele origin: germline.
Comment: This sequence change replaces arginine, which is basic and polar, with glutamine, which is neutral and polar, at codon 571 of the TNPO3 protein (p.Arg571Gln). The frequency data for this variant in the population databases is considered unreliable, as metrics indicate poor data quality at this position in the gnomAD database. This variant has not been reported in the literature in individuals affected with TNPO3-related conditions. ClinVar contains an entry for this variant (Variation ID: 642252). Invitae Evidence Modeling of protein sequence and biophysical properties (such as structural, functional, and spatial information, amino acid conservation, physicochemical variation, residue mobility, and thermodynamic stability) indicates that this missense variant is not expected to disrupt TNPO3 protein function with a negative predictive value of 80%. In summary, the available evidence is currently insufficient to determine the role of this variant in disease. Therefore, it has been classified as a Variant of Uncertain Significance.

NM_012470.4(TNPO3):c.1712G>A (p.Arg571Gln)

Gene: TNPO3 (transportin 3; minus strand). Cytogenetic location: 7q32.1.
Variant type: single nucleotide variant.
Coding change: c.1712G>A on transcript NM_012470.4 (MANE Select); coding-DNA position 1712, G replaced by A.
Protein change: p.Arg571Gln; replaces arginine 571 with glutamine.
Molecular consequence: missense variant. On other transcripts: non-coding transcript variant (18).
Genome position (GRCh38, 1-based): chr7:128,984,238, C>T on the plus strand (G>A on the coding strand, the complement: TNPO3 is on the minus strand). VCF-style: chr7-128984238-C-T. GRCh37 (hg19) VCF-style: chr7-128624292-C-T.
Other names: c.1520G>A, p.Arg507Gln (NM_001191028.3, NM_001382223.1); c.1814G>A, p.Arg605Gln (NM_001382216.1); c.1793G>A, p.Arg598Gln (NM_001382217.1); c.1712G>A, p.Arg571Gln (NM_001382218.1, NM_001382220.1); c.1604G>A, p.Arg535Gln (NM_001382219.1); c.1568G>A, p.Arg523Gln (NM_001382221.1); c.1565G>A, p.Arg522Gln (NM_001382222.1); short protein forms R507Q, R571Q, R522Q, R523Q, R535Q, R598Q, R605Q.
Identifiers: ClinVar variation 642252 (VCV000642252.7), dbSNP rs376932742, ClinGen allele CA166213581.